The following is an entry in ClinVar:

NM_001242896.3(DEPDC5):c.2839C>A (p.Leu947Met)

Gene: DEPDC5 (DEP domain containing 5, GATOR1 subcomplex subunit; plus strand). Cytogenetic location: 22q12.3.
Variant type: single nucleotide variant.
Coding change: c.2839C>A on transcript NM_001242896.3 (MANE Select); coding-DNA position 2839, C replaced by A.
Protein change: p.Leu947Met; replaces leucine 947 with methionine.
Molecular consequence: missense variant. On other transcripts: non-coding transcript variant (5).
Genome position (GRCh38, 1-based): chr22:31,845,055, C>A. VCF-style: chr22-31845055-C-A. GRCh37 (hg19) VCF-style: chr22-32241041-C-A.
Other names: c.2839C>A, p.Leu947Met (NM_001364320.2, NM_001363852.2, NM_001364318.2); c.2755C>A, p.Leu919Met (NM_001369901.1, NM_001369902.1); c.2812C>A, p.Leu938Met (NM_001369903.1, NM_014662.6, NM_001136029.4); c.2605C>A, p.Leu869Met (NM_001242897.2, NM_001363854.2, NM_001364319.2); short protein forms L947M, L938M, L869M, L919M.
Identifiers: ClinVar variation 2974363 (VCV002974363.3), dbSNP rs2520184361, ClinGen allele CA411290980.

ClinVar aggregate classification (germline): Uncertain significance (1 of 4 stars; one submission).

Conditions:
Familial focal epilepsy with variable foci (FPEVF). Identifiers: Orphanet 98820, MedGen C1858477, MONDO:0020310.

Submission:

Labcorp Genetics (formerly Invitae), Labcorp
Classification: Uncertain significance for Familial focal epilepsy with variable foci. Last evaluated: 2023-11-12. Review status: criteria provided, single submitter. Criteria: Invitae Variant Classification Sherloc (09022015). Collection method: clinical testing. Allele origin: germline.
Comment: This sequence change replaces leucine, which is neutral and non-polar, with methionine, which is neutral and non-polar, at codon 947 of the DEPDC5 protein (p.Leu947Met). This variant is not present in population databases (gnomAD no frequency). This variant has not been reported in the literature in individuals affected with DEPDC5-related conditions. Experimental studies and prediction algorithms are not available or were not evaluated, and the functional significance of this variant is currently unknown. In summary, the available evidence is currently insufficient to determine the role of this variant in disease. Therefore, it has been classified as a Variant of Uncertain Significance.